The following is an entry in ClinVar:

ClinVar aggregate classification (germline): Likely benign (1 of 4 stars; one submission).

Allele frequency attached by ClinVar (database versions not stated): 1000 Genomes Project 0.00319; 1000 Genomes Project 30x 0.00375; gnomAD 0.00558; TOPMed 0.00643.
gnomAD v4.1: 843 of 152,138 alleles (0.55%); highest among the groups gnomAD compares: African/African-American, 1.9%; 9 homozygotes.

Submission:

GeneDx
Classification: Likely benign. Last evaluated: 2021-05-26. Review status: criteria provided, single submitter. Criteria: GeneDx Variant Classification Process June 2021. Collection method: clinical testing. Allele origin: germline. Affected: yes.
Comment: See Variant Classification Assertion Criteria.

NM_001267052.2(UNC45B):c.2256-182T>C

Gene: UNC45B (unc-45 myosin chaperone B; plus strand). Cytogenetic location: 17q12.
Variant type: single nucleotide variant.
Coding change: c.2256-182T>C on transcript NM_001267052.2 (MANE Select); 182 bases into the intron before coding-DNA position 2256, T replaced by C.
Molecular consequence: intron variant.
Genome position (GRCh38, 1-based): chr17:35,180,377, T>C. VCF-style: chr17-35180377-T-C. GRCh37 (hg19) VCF-style: chr17-33507396-T-C.
Other names: c.2256-182T>C (NM_001033576.2); c.2262-182T>C (NM_173167.3); c.2019-182T>C (NM_001308281.1).
Identifiers: ClinVar variation 1706929 (VCV001706929.2), dbSNP rs116617960, ClinGen allele CA289996517.